The following is an entry in ClinVar:

ClinVar aggregate classification (germline): Uncertain significance. Review status: criteria provided, multiple submitters, no conflicts (2 of 4 stars). 2 submissions from 2 submitters: Uncertain significance (2). Last evaluated 2025-11-05.

Conditions:
Hyperkalemic periodic paralysis. Also called: Familial hyperkalemic periodic paralysis; Gamstorp disease. Identifiers: Orphanet 682, MedGen C0238357, MONDO:0008224, OMIM 170500, HP:0007215.

Allele frequency attached by ClinVar (database versions not stated): ExAC 0.00001; gnomAD exomes 0.00001; TOPMed 0.00001; gnomAD 0.00003; ESP Exome Variant Server 0.00008.
gnomAD v4.1: 10 of 1,613,862 alleles (0.00062%); highest among the groups gnomAD compares: African/African-American, 0.004%; no homozygotes.

Submissions (2):

Dasa
Classification: Uncertain significance. Last evaluated: 2025-11-05. Review status: criteria provided, single submitter. Criteria: DASA Assertion Criteria. Collection method: clinical testing. Allele origin: germline.
Comment: NM_000334.4(SCN4A):c.1425C>G (p.Phe475Leu) is a missense variant that results in the substitution of phenylalanine with leucine. This variant is rare in population databases. The currently available literature and clinical evidence are not sufficient to establish a definitive association between this variant and the reported condition. Therefore, this variant is classified as a variant of uncertain significance.

Labcorp Genetics (formerly Invitae), Labcorp
Classification: Uncertain significance for Hyperkalemic periodic paralysis. Last evaluated: 2022-02-09. Review status: criteria provided, single submitter. Criteria: Invitae Variant Classification Sherloc (09022015). Collection method: clinical testing. Allele origin: germline.
Comment: This variant is present in population databases (rs371725584, gnomAD 0.007%). This sequence change replaces phenylalanine, which is neutral and non-polar, with leucine, which is neutral and non-polar, at codon 475 of the SCN4A protein (p.Phe475Leu). In summary, the available evidence is currently insufficient to determine the role of this variant in disease. Therefore, it has been classified as a Variant of Uncertain Significance. Algorithms developed to predict the effect of missense changes on protein structure and function output the following: SIFT: "Tolerated"; PolyPhen-2: "Benign"; Align-GVGD: "Class C0". The leucine amino acid residue is found in multiple mammalian species, which suggests that this missense change does not adversely affect protein function. This variant has not been reported in the literature in individuals affected with SCN4A-related conditions.

NM_000334.4(SCN4A):c.1425C>G (p.Phe475Leu)

Gene: SCN4A (sodium voltage-gated channel alpha subunit 4; minus strand). Cytogenetic location: 17q23.3.
Variant type: single nucleotide variant.
Coding change: c.1425C>G on transcript NM_000334.4 (MANE Select); coding-DNA position 1425, C replaced by G.
Protein change: p.Phe475Leu; replaces phenylalanine 475 with leucine.
Molecular consequence: missense variant.
Genome position (GRCh38, 1-based): chr17:63,964,495, G>C on the plus strand (C>G on the coding strand, the complement: SCN4A is on the minus strand). VCF-style: chr17-63964495-G-C. GRCh37 (hg19) VCF-style: chr17-62041855-G-C.
Other names: short protein forms F475L.
Identifiers: ClinVar variation 1515447 (VCV001515447.10), dbSNP rs371725584, ClinGen allele CA8709848.